The following is an entry in ClinVar:

ClinVar aggregate classification (germline): Uncertain significance (1 of 4 stars; one submission).

Conditions:
Spastic paraplegia. Identifiers: MedGen C0037772, HP:0001258.

Submission:

Labcorp Genetics (formerly Invitae), Labcorp
Classification: Uncertain significance for Spastic paraplegia. Last evaluated: 2022-04-22. Review status: criteria provided, single submitter. Criteria: Invitae Variant Classification Sherloc (09022015). Collection method: clinical testing. Allele origin: germline.
Comment: In summary, the available evidence is currently insufficient to determine the role of this variant in disease. Therefore, it has been classified as a Variant of Uncertain Significance. Algorithms developed to predict the effect of missense changes on protein structure and function (SIFT, PolyPhen-2, Align-GVGD) all suggest that this variant is likely to be disruptive. This variant has not been reported in the literature in individuals affected with GJC2-related conditions. This variant is not present in population databases (gnomAD no frequency). This sequence change replaces valine, which is neutral and non-polar, with alanine, which is neutral and non-polar, at codon 214 of the GJC2 protein (p.Val214Ala).

NM_020435.4(GJC2):c.641T>C (p.Val214Ala)

Gene: GJC2 (gap junction protein gamma 2; plus strand). Cytogenetic location: 1q42.13.
Variant type: single nucleotide variant.
Coding change: c.641T>C on transcript NM_020435.4 (MANE Select); coding-DNA position 641, T replaced by C.
Protein change: p.Val214Ala; replaces valine 214 with alanine.
Molecular consequence: missense variant.
Genome position (GRCh38, 1-based): chr1:228,158,399, T>C. VCF-style: chr1-228158399-T-C. GRCh37 (hg19) VCF-style: chr1-228346100-T-C.
Other names: short protein forms V214A.
Identifiers: ClinVar variation 1972856 (VCV001972856.5), dbSNP rs1558119922, ClinGen allele CA345098862.